The following is an entry in ClinVar:

NM_024408.4(NOTCH2):c.4457del (p.Thr1486fs)

Gene: NOTCH2 (notch receptor 2; minus strand). Cytogenetic location: 1p12.
Variant type: Deletion.
Coding change: c.4457del on transcript NM_024408.4 (MANE Select); coding-DNA position 4457, one base deleted (C; older notation c.4457delC).
Protein change: p.Thr1486fs; shifts the reading frame from threonine 1486.
Molecular consequence: frameshift variant.
Genome position (GRCh38, 1-based): chr1:119,925,359, G deleted on the plus strand (C on the coding strand, the reverse complement: NOTCH2 is on the minus strand). VCF-style (leftmost placement, unchanged base first): chr1-119925358-CG-C. GRCh37 (hg19) VCF-style: chr1-120467981-CG-C.
Other names: short protein forms T1486fs.
Identifiers: ClinVar variation 419122 (VCV000419122.2), dbSNP rs1064793660, ClinGen allele CA16616962.
Genomic context (GRCh38, chr1:119,925,358, plus strand): 5'-CCCTTACTTGCATGTCTTGCTGTTCCCCTGGCATTCAAAGTTGTCAAACAGGCACTCGAC[CG>C]TGTTGCACAGCTCATCACACTGGTTGTTGATATAATCCCAGCAGGGAAGTGGGGAGGAGC-3'

ClinVar aggregate classification (germline): Pathogenic (1 of 4 stars; one submission).

Submission:

GeneDx
Classification: Pathogenic. Last evaluated: 2015-06-05. Review status: criteria provided, single submitter. Criteria: GeneDx Variant Classification (06012015). Collection method: clinical testing. Allele origin: germline. Affected: yes.
Comment: The c.4457delC deletion in the NOTCH2 gene has not been reported previously as a pathogenic variant nor as a benign polymorphism, to our knowledge. The c.4457delC deletion is predicted to cause loss of normal protein function either through protein truncation or nonsense-mediated mRNA decay. The c.4457delC deletion was not observed in approximately 6,500 individuals of European and African American ancestry in the NHLBI Exome Sequencing Project, indicating it is not a commonbenign variant in these populations. We interpret c.4457delC as a pathogenic variant.